The following is an entry in ClinVar:

NM_004304.5(ALK):c.2182G>A (p.Val728Met)

Gene: ALK (ALK receptor tyrosine kinase; minus strand). Cytogenetic location: 2p23.2.
Variant type: single nucleotide variant.
Coding change: c.2182G>A on transcript NM_004304.5 (MANE Select); coding-DNA position 2182, G replaced by A.
Protein change: p.Val728Met; replaces valine 728 with methionine.
Molecular consequence: missense variant.
Genome position (GRCh38, 1-based): chr2:29,251,127, C>T on the plus strand (G>A on the coding strand, the complement: ALK is on the minus strand). VCF-style: chr2-29251127-C-T. GRCh37 (hg19) VCF-style: chr2-29473993-C-T.
Other names: short protein forms V728M.
Identifiers: ClinVar variation 4661734 (VCV004661734.1).

ClinVar aggregate classification (germline): Uncertain significance (1 of 4 stars; one submission).

Conditions:
Hereditary cancer-predisposing syndrome. Also called: Neoplastic Syndromes, Hereditary; Tumor predisposition; Hereditary Cancer Syndrome; Hereditary neoplastic syndrome. Identifiers: Orphanet 140162, MedGen C0027672, MeSH D009386, MONDO:0015356.

Submission:

Ambry Genetics
Classification: Uncertain significance for Hereditary cancer-predisposing syndrome. Last evaluated: 2025-09-20. Review status: criteria provided, single submitter. Criteria: Ambry Variant Classification Scheme 2023. Collection method: clinical testing. Allele origin: germline.
Comment: The p.V728M variant (also known as c.2182G>A), located in coding exon 12 of the ALK gene, results from a G to A substitution at nucleotide position 2182. The valine at codon 728 is replaced by methionine, an amino acid with highly similar properties. This amino acid position is conserved. In addition, this alteration is predicted to be deleterious by in silico analysis. Based on the available evidence, the clinical significance of this variant remains unclear.